The following is an entry in ClinVar:

ClinVar aggregate classification (germline): Pathogenic. Review status: criteria provided, multiple submitters, no conflicts (2 of 4 stars). 10 submissions from 10 submitters: Pathogenic (10). Last evaluated 2026-02-25.

Conditions:
COL1A1-related disorder. Also called: COL1A1- related disease; COL1A1-related condition.
Cardiovascular phenotype. Identifiers: MedGen CN230736.
Osteogenesis imperfecta (OI). Identifiers: Orphanet 666, MedGen C0029434, MeSH D010013, MONDO:0019019.
Osteogenesis imperfecta type I (OI1). Also called: OI, TYPE I; OSTEOGENESIS IMPERFECTA TARDA; OSTEOGENESIS IMPERFECTA WITH BLUE SCLERAE; Classic Non-deforming Osteogenesis Imperfecta with Blue Sclerae; Osteogenesis imperfecta type 1; Lobstein's Disease. Identifiers: Orphanet 216796, Orphanet 666, MedGen C0023931, MONDO:0008146, OMIM 166200. Disease mechanism: loss of function.

Allele frequency attached by ClinVar (database versions not stated): gnomAD exomes below 0.00001.

Submissions (10):

GeneDx
Classification: Pathogenic. Last evaluated: 2026-02-25. Review status: criteria provided, single submitter. Criteria: GeneDx Variant Classification Process June 2021. Collection method: clinical testing. Allele origin: germline.
Comment: Frameshift variant predicted to result in protein truncation or nonsense mediated decay in a gene for which loss of function is a known mechanism of disease; Not observed at significant frequency in large population cohorts (gnomAD); This variant is associated with the following publications: (PMID: 37334733, 35909573, 34902613, 36896471, 39843441, 18311573, 8808594, 28810924, 27509835, 33470886, 30715774, 32166892, 27748872, 33939306, 21667357, 39251974, 38828893)

3billion
Classification: Pathogenic for COL1A1-related disorder. Last evaluated: 2025-12-07. Review status: criteria provided, single submitter. Criteria: ACMG Guidelines, 2015. Collection method: clinical testing. Allele origin: germline. Affected: yes.
Comment: The variant is observed at an extremely low frequency in the gnomAD v4.1.0 dataset (total allele frequency: <0.001%). Predicted Consequence/Location: Frameshift: predicted to result in a loss or disruption of normal protein function through nonsense-mediated decay (NMD) or protein truncation. Multiple pathogenic variants are reported downstream of the variant. The variant has been reported at least twice as pathogenic with clinical assertions and evidence for the classification (ClinVar ID: VCV000580344 /PMID: 8808594 /3billion dataset). Therefore, this variant is classified as Pathogenic according to the recommendation of ACMG/AMP guideline.

Labcorp Genetics (formerly Invitae), Labcorp
Classification: Pathogenic for Osteogenesis imperfecta type I. Last evaluated: 2025-11-21. Review status: criteria provided, single submitter. Criteria: Invitae Variant Classification Sherloc (09022015). Collection method: clinical testing. Allele origin: germline.
Comment: This sequence change creates a premature translational stop signal (p.Gly377Alafs*164) in the COL1A1 gene. It is expected to result in an absent or disrupted protein product. Loss-of-function variants in COL1A1 are known to be pathogenic (PMID: 7942841, 9295084, 9443882). This variant is not present in population databases (gnomAD no frequency). This premature translational stop signal has been observed in individuals with osteogenesis imperfecta (PMID: 8808594, 21667357, 28810924). ClinVar contains an entry for this variant (Variation ID: 580344). For these reasons, this variant has been classified as Pathogenic.

PreventionGenetics, part of Exact Sciences
Classification: Pathogenic for COL1A1-related condition. Last evaluated: 2025-05-28. Review status: criteria provided, single submitter. Criteria: ACMG Guidelines, 2015. Collection method: clinical testing. Allele origin: germline.
Comment: The COL1A1 c.1128delT variant is predicted to result in a frameshift and premature protein termination (p.Gly377Alafs*164). This variant was reported in at least two patients with with osteogenesis imperfecta I (Family F4, Willing et al.1996. PubMed ID: 8808594; as p.Gly377Alafs*164, Higuchi Y et al 2021. PubMed ID: 33939306). This variant has not been reported in a large population database, indicating this variant is rare. Frameshift variants in COL1A1 are expected to be pathogenic. This variant is interpreted as pathogenic.

Clinical Biomedical Laboratory, Shriners Hospital For Children - Canada
Classification: Pathogenic for Osteogenesis imperfecta type I. Last evaluated: 2025-05-23. Review status: criteria provided, single submitter. Criteria: ACMG Guidelines, 2015. Collection method: clinical testing. Allele origin: germline. Affected: yes.
Comment: This variant is predicted to substitute a glycine residue by an alanine residue cause a frameshift and introduce a stop codon 164 amino acids downstream in the triple helical domain of the collagen type I alpha1 chain. Variants predicted to introduce frameshifts lead to degradation of the affected transcript and haploinsufficiency of the alpha 1 chain of collagen type I. COL1A1 haploinsufficiency is a typical cause of osteogenesis imperfecta type I. In the Genome Aggregation Database (gnomAD v2.1.1) this variant is not present. This specific variant has been reported in the literature as a cause of osteogenesis imperfecta (PMID 21667357)

Dubai Health Genomic Medicine Center, Dubai Health
Classification: Pathogenic for Osteogenesis imperfecta. Last evaluated: 2024-10-04. Review status: criteria provided, single submitter. Criteria: ACMG Guidelines, 2015. Collection method: research. Allele origin: germline. Affected: yes.
Comment: PVS1,PS2,PM2

Women's Health and Genetics/Laboratory Corporation of America, LabCorp
Classification: Pathogenic for Osteogenesis imperfecta. Last evaluated: 2024-07-09. Review status: criteria provided, single submitter. Criteria: LabCorp Variant Classification Summary - May 2015. Collection method: clinical testing. Allele origin: germline.
Comment: Variant summary: COL1A1 c.1128delT (p.Gly377AlafsX164) results in a premature termination codon, predicted to cause absence of the protein due to nonsense mediated decay, which is a commonly known mechanism for disease. The variant was absent in 251220 control chromosomes (gnomAD). c.1128delT has been reported in the literature in individuals affected with Osteogenesis Imperfecta (e.g. Willing_1996, Higuchi_2021).The following publications have been ascertained in the context of this evaluation (PMID: 8808594, 33939306). ClinVar contains an entry for this variant (Variation ID: 580344). Based on the evidence outlined above, the variant was classified as pathogenic.

Human Genetics Bochum, Ruhr University Bochum
Classification: Pathogenic. Last evaluated: 2023-03-13. Review status: criteria provided, single submitter. Criteria: ACMG Guidelines, 2015. Collection method: clinical testing. Allele origin: germline. Affected: yes.
Comment: ACMG criteria used to clasify this variant: PVS1, PS4_MOD, PM2_SUP

Blueprint Genetics
Classification: Pathogenic for COL1A1-related disorders. Last evaluated: 2021-10-28. Review status: criteria provided, single submitter. Criteria: ACMG Guidelines, 2015. Collection method: clinical testing. Allele origin: germline. Affected: yes. Observed: 5 variant alleles.

Ambry Genetics
Classification: Pathogenic for Cardiovascular phenotype. Last evaluated: 2020-07-10. Review status: criteria provided, single submitter. Criteria: Ambry Variant Classification Scheme 2023. Collection method: clinical testing. Allele origin: germline.
Comment: The c.1128delT pathogenic mutation, located in coding exon 17 of the COL1A1 gene, results from a deletion of one nucleotide at nucleotide position 1128, causing a translational frameshift with a predicted alternate stop codon (p.G377Afs*164). This variant has been detected in several unrelated individuals reported to have osteogenesis imperfecta (Willing MC et al. Am. J. Hum. Genet., 1996 Oct;59:799-809; Zhang ZL et al. J. Bone Miner. Metab., 2012 Jan;30:69-77; Bardai G et al. Osteoporos Int, 2016 12;27:3607-3613; Zhang H et al. Mol Med Rep, 2016 Nov;14:4918-4926 Zhytnik L et al. Hum. Genomics, 2017 08;11:19). In addition to the clinical data presented in the literature, this alteration is expected to result in loss of function by premature protein truncation or nonsense-mediated mRNA decay. As such, this alteration is interpreted as a disease-causing mutation.

Literature cited by the submitters: PubMed 8808594 (cited by 4 submitters); PubMed 7942841 (cited by Labcorp Genetics (formerly Invitae), Labcorp); PubMed 9295084 (cited by Labcorp Genetics (formerly Invitae), Labcorp); PubMed 9443882 (cited by Labcorp Genetics (formerly Invitae), Labcorp); PubMed 21667357 (cited by 3 submitters); PubMed 28810924 (cited by Labcorp Genetics (formerly Invitae), Labcorp and Ambry Genetics); PubMed 33939306 (cited by Women's Health and Genetics/Laboratory Corporation of America, LabCorp); PubMed 23529829 (cited by Ambry Genetics); PubMed 23729740 (cited by Ambry Genetics); PubMed 24501682 (cited by Ambry Genetics); PubMed 27509835 (cited by Ambry Genetics); PubMed 27748872 (cited by Ambry Genetics); PubMed 32166892 (cited by Ambry Genetics).

NM_000088.4(COL1A1):c.1128del (p.Gly377fs)

Gene: COL1A1 (collagen type I alpha 1 chain; minus strand). Cytogenetic location: 17q21.33.
Variant type: Deletion.
Coding change: c.1128del on transcript NM_000088.4 (MANE Select); coding-DNA position 1128, one base deleted (T; older notation c.1128delT).
Protein change: p.Gly377fs; shifts the reading frame from glycine 377.
Molecular consequence: frameshift variant.
Genome position (GRCh38, 1-based): chr17:50,195,594, A deleted on the plus strand (T on the coding strand, the reverse complement: COL1A1 is on the minus strand). VCF-style (leftmost placement, unchanged base first): chr17-50195593-CA-C. GRCh37 (hg19) VCF-style: chr17-48272954-CA-C.
Other names: c.1128del (NM_000088.3); c.1128delT (NM_000088.3, NM_000088.4); short protein forms G377fs.
Identifiers: ClinVar variation 580344 (VCV000580344.20), dbSNP rs72645370, ClinGen allele CA291546869.